The following is an entry in ClinVar:

NM_006361.6(HOXB13):c.194C>T (p.Pro65Leu)

Gene: HOXB13 (homeobox B13; minus strand). Cytogenetic location: 17q21.32.
Variant type: single nucleotide variant.
Coding change: c.194C>T on transcript NM_006361.6 (MANE Select); coding-DNA position 194, C replaced by T.
Protein change: p.Pro65Leu; replaces proline 65 with leucine.
Molecular consequence: missense variant.
Genome position (GRCh38, 1-based): chr17:48,728,400, G>A on the plus strand (C>T on the coding strand, the complement: HOXB13 is on the minus strand). VCF-style: chr17-48728400-G-A. GRCh37 (hg19) VCF-style: chr17-46805762-G-A.
Other names: short protein forms P65L.
Identifiers: ClinVar variation 2075991 (VCV002075991.5), dbSNP rs1597934831, ClinGen allele CA400107944.
Genomic context (GRCh38, chr17:48,728,400, plus strand): 5'-CCTCCAAAGTAACCATAAGGCACGGGAGCTGGGGACGTCCCCTGGGGCACCCCAGGGCAT[G>A]GGTGGCATTGCTTTGGCGGCTCCGCCGAGCCTGGCAGATCCAAGGGGGCATAGTTGACAG-3'
Protein context (NP_006352.2, residues 55-75): GSAEPPKQCH[Pro65Leu]CPGVPQGTSP

ClinVar aggregate classification (germline): Uncertain significance. Review status: criteria provided, multiple submitters, no conflicts (2 of 4 stars). 2 submissions from 2 submitters: Uncertain significance (2). Last evaluated 2025-04-28.

Conditions:
Hereditary cancer-predisposing syndrome. Also called: Hereditary Cancer Syndrome; Tumor predisposition; Hereditary neoplastic syndrome; Neoplastic Syndromes, Hereditary. Identifiers: Orphanet 140162, MedGen C0027672, MeSH D009386, MONDO:0015356.

Submissions (2):

Ambry Genetics
Classification: Uncertain significance for Hereditary cancer-predisposing syndrome. Last evaluated: 2025-04-28. Review status: criteria provided, single submitter. Criteria: Ambry Variant Classification Scheme 2023. Collection method: clinical testing. Allele origin: germline.
Comment: The p.P65L variant (also known as c.194C>T), located in coding exon 1 of the HOXB13 gene, results from a C to T substitution at nucleotide position 194. The proline at codon 65 is replaced by leucine, an amino acid with similar properties. This amino acid position is conserved. In addition, the in silico prediction for this alteration is inconclusive. Based on the available evidence, the clinical significance of this variant remains unclear.

Labcorp Genetics (formerly Invitae), Labcorp
Classification: Uncertain significance. Last evaluated: 2024-04-16. Review status: criteria provided, single submitter. Criteria: Invitae Variant Classification Sherloc (09022015). Collection method: clinical testing. Allele origin: germline.
Comment: This sequence change replaces proline, which is neutral and non-polar, with leucine, which is neutral and non-polar, at codon 65 of the HOXB13 protein (p.Pro65Leu). This variant is not present in population databases (gnomAD no frequency). This variant has not been reported in the literature in individuals affected with HOXB13-related conditions. ClinVar contains an entry for this variant (Variation ID: 2075991). Advanced modeling of protein sequence and biophysical properties (such as structural, functional, and spatial information, amino acid conservation, physicochemical variation, residue mobility, and thermodynamic stability) performed at Invitae indicates that this missense variant is not expected to disrupt HOXB13 protein function with a negative predictive value of 80%. In summary, the available evidence is currently insufficient to determine the role of this variant in disease. Therefore, it has been classified as a Variant of Uncertain Significance.